The following is an entry in ClinVar:

ClinVar aggregate classification (germline): Uncertain significance (1 of 4 stars; one submission).

gnomAD v4.1: 4 of 1,210,901 alleles (0.00033%); highest among the groups gnomAD compares: East Asian, 0.0059%; no homozygotes.

Submission:

Labcorp Genetics (formerly Invitae), Labcorp
Classification: Uncertain significance. Last evaluated: 2025-05-28. Review status: criteria provided, single submitter. Criteria: Invitae Variant Classification Sherloc (09022015). Collection method: clinical testing. Allele origin: germline.
Comment: This sequence change replaces aspartic acid, which is acidic and polar, with histidine, which is basic and polar, at codon 270 of the NSDHL protein (p.Asp270His). This variant is present in population databases (rs782302046, gnomAD 0.008%). This variant has not been reported in the literature in individuals affected with NSDHL-related conditions. An algorithm developed to predict the effect of missense changes on protein structure and function (PolyPhen-2) suggests that this variant is likely to be disruptive. In summary, the available evidence is currently insufficient to determine the role of this variant in disease. Therefore, it has been classified as a Variant of Uncertain Significance.

NM_015922.3(NSDHL):c.808G>C (p.Asp270His)

Gene: NSDHL (NAD(P) dependent 3-beta-hydroxysteroid dehydrogenase NSDHL; plus strand). Cytogenetic location: Xq28.
Variant type: single nucleotide variant.
Coding change: c.808G>C on transcript NM_015922.3 (MANE Select); coding-DNA position 808, G replaced by C.
Protein change: p.Asp270His; replaces aspartic acid 270 with histidine.
Molecular consequence: missense variant.
Genome position (GRCh38, 1-based): chrX:152,868,802, G>C. VCF-style: chrX-152868802-G-C. GRCh37 (hg19) VCF-style: chrX-152037346-G-C.
Other names: c.808G>C, p.Asp270His (NM_001129765.2, NM_001441099.1); short protein forms D270H.
Identifiers: ClinVar variation 4805996 (VCV004805996.1).